The following is an entry in ClinVar:

ClinVar aggregate classification (germline): Uncertain significance. Review status: criteria provided, multiple submitters, no conflicts (2 of 4 stars). 2 submissions from 2 submitters: Uncertain significance (2). Last evaluated 2024-02-27.

Conditions:
Juberg-Hayward syndrome (JHS). Also called: Cleft lip/palate with abnormal thumbs and microcephaly; OROCRANIODIGITAL SYNDROME. Identifiers: Orphanet 2319, MedGen C0796099, MONDO:0008992, OMIM 216100.
Roberts-SC phocomelia syndrome (RBS). Also called: Pseudothalidomide syndrome; Appelt-Gerken-Lenz syndrome; Hypomelia hypotrichosis facial hemangioma syndrome; ESCO2 Spectrum Disorder; LONG BONE DEFICIENCIES ASSOCIATED WITH CLEFT LIP-PALATE. Identifiers: Orphanet 3103, MedGen C0392475, MONDO:0100253, OMIM 268300.

Allele frequency attached by ClinVar (database versions not stated): gnomAD exomes 0.00002 and 0.00004; ExAC 0.00007; ESP Exome Variant Server 0.00015; gnomAD 0.00015 and 0.00016; TOPMed 0.00017; 1000 Genomes Project 0.00060; 1000 Genomes Project 30x 0.00078.
gnomAD v4.1: 54 of 1,611,712 alleles (0.0034%); highest among the groups gnomAD compares: African/African-American, 0.059%; no homozygotes.

Submissions (2):

Fulgent Genetics
Classification: Uncertain significance for Juberg-Hayward syndrome; Roberts-SC phocomelia syndrome. Last evaluated: 2024-02-27. Review status: criteria provided, single submitter. Criteria: ACMG Guidelines, 2015. Collection method: clinical testing. Allele origin: germline.

GeneDx
Classification: Uncertain significance. Last evaluated: 2022-08-03. Review status: criteria provided, single submitter. Criteria: GeneDx Variant Classification Process June 2021. Collection method: clinical testing. Allele origin: germline. Affected: yes.
Comment: In silico analysis supports that this missense variant does not alter protein structure/function; Has not been previously published as pathogenic or benign to our knowledge

NM_001017420.3(ESCO2):c.728A>G (p.Asp243Gly)

Gene: ESCO2 (establishment of sister chromatid cohesion N-acetyltransferase 2; plus strand). Cytogenetic location: 8p21.1.
Variant type: single nucleotide variant.
Coding change: c.728A>G on transcript NM_001017420.3 (MANE Select); coding-DNA position 728, A replaced by G.
Protein change: p.Asp243Gly; replaces aspartic acid 243 with glycine.
Molecular consequence: missense variant.
Genome position (GRCh38, 1-based): chr8:27,777,036, A>G. VCF-style: chr8-27777036-A-G. GRCh37 (hg19) VCF-style: chr8-27634553-A-G.
Other names: short protein forms D243G.
Identifiers: ClinVar variation 1700336 (VCV001700336.3), dbSNP rs143466016, ClinGen allele CA4692101.